The following is an entry in ClinVar:

NM_058216.3(RAD51C):c.698A>C (p.His233Pro)

Genes: RAD51C (RAD51 paralog C; plus strand), LOC129390903 (MPRA-validated peak2919 silencer; plus strand). Cytogenetic location: 17q22.
Variant type: single nucleotide variant.
Coding change: c.698A>C on transcript NM_058216.3 (MANE Select); coding-DNA position 698, A replaced by C.
Protein change: p.His233Pro; replaces histidine 233 with proline.
Molecular consequence: missense variant. On other transcripts: non-coding transcript variant (1).
Genome position (GRCh38, 1-based): chr17:58,703,322, A>C. VCF-style: chr17-58703322-A-C. GRCh37 (hg19) VCF-style: chr17-56780683-A-C.
Other names: c.*126A>C (NM_058217.1); short protein forms H233P.
Identifiers: ClinVar variation 2964839 (VCV002964839.3), dbSNP rs754895072, ClinGen allele CA400350125.

ClinVar aggregate classification (germline): Uncertain significance (1 of 4 stars; one submission).

Conditions:
Fanconi anemia complementation group O. Also called: RAD51C-Related Fanconi Anemia. Identifiers: Orphanet 84, MedGen C3150653, MONDO:0013248, OMIM 613390.

Submission:

Labcorp Genetics (formerly Invitae), Labcorp
Classification: Uncertain significance for Fanconi anemia complementation group O. Last evaluated: 2022-11-25. Review status: criteria provided, single submitter. Criteria: Invitae Variant Classification Sherloc (09022015). Collection method: clinical testing. Allele origin: germline.
Comment: In summary, the available evidence is currently insufficient to determine the role of this variant in disease. Therefore, it has been classified as a Variant of Uncertain Significance. Advanced modeling of protein sequence and biophysical properties (such as structural, functional, and spatial information, amino acid conservation, physicochemical variation, residue mobility, and thermodynamic stability) performed at Invitae indicates that this missense variant is expected to disrupt RAD51C protein function. This variant has not been reported in the literature in individuals affected with RAD51C-related conditions. This variant is not present in population databases (gnomAD no frequency). This sequence change replaces histidine, which is basic and polar, with proline, which is neutral and non-polar, at codon 233 of the RAD51C protein (p.His233Pro).